The following is an entry in ClinVar:

NM_002439.5(MSH3):c.2274C>G (p.Asn758Lys)

Gene: MSH3 (mutS homolog 3; plus strand). Cytogenetic location: 5q14.1.
Variant type: single nucleotide variant.
Coding change: c.2274C>G on transcript NM_002439.5 (MANE Select); coding-DNA position 2274, C replaced by G.
Protein change: p.Asn758Lys; replaces asparagine 758 with lysine.
Molecular consequence: missense variant.
Genome position (GRCh38, 1-based): chr5:80,775,714, C>G. VCF-style: chr5-80775714-C-G. GRCh37 (hg19) VCF-style: chr5-80071533-C-G.
Other names: short protein forms N758K.
Identifiers: ClinVar variation 854672 (VCV000854672.12), dbSNP rs1744285844, ClinGen allele CA360280762.
Genomic context (GRCh38, chr5:80,775,714, plus strand): 5'-GTTACTTATCTAAATCTCTGTTTATTTGTATTTGTTTTAGTTTATGATAGAAATAAAGAA[C>G]TCTGCTGTATCTTGTATACCAACTGATTGGGTAAAGGTTGGAAGGTAGGTTTAAAATAAA-3'
Protein context (NP_002430.3, residues 748-768): SGQEFMIEIK[Asn758Lys]SAVSCIPTDW

ClinVar aggregate classification (germline): Uncertain significance. Review status: criteria provided, multiple submitters, no conflicts (2 of 4 stars). 2 submissions from 2 submitters: Uncertain significance (2). Last evaluated 2022-09-13.

Conditions:
Hereditary cancer-predisposing syndrome. Also called: Neoplastic Syndromes, Hereditary; Hereditary Cancer Syndrome; Tumor predisposition; Hereditary neoplastic syndrome. Identifiers: Orphanet 140162, MedGen C0027672, MeSH D009386, MONDO:0015356.

Submissions (2):

Ambry Genetics
Classification: Uncertain significance for Hereditary cancer-predisposing syndrome. Last evaluated: 2022-09-13. Review status: criteria provided, single submitter. Criteria: Ambry Variant Classification Scheme 2023. Collection method: clinical testing. Allele origin: germline.
Comment: The p.N758K variant (also known as c.2274C>G), located in coding exon 16 of the MSH3 gene, results from a C to G substitution at nucleotide position 2274. The asparagine at codon 758 is replaced by lysine, an amino acid with similar properties. This amino acid position is conserved. In addition, this alteration is predicted to be tolerated by in silico analysis. Since supporting evidence is limited at this time, the clinical significance of this alteration remains unclear.

Labcorp Genetics (formerly Invitae), Labcorp
Classification: Uncertain significance. Last evaluated: 2019-02-04. Review status: criteria provided, single submitter. Criteria: Invitae Variant Classification Sherloc (09022015). Collection method: clinical testing. Allele origin: germline.
Comment: In summary, the available evidence is currently insufficient to determine the role of this variant in disease. Therefore, it has been classified as a Variant of Uncertain Significance. Algorithms developed to predict the effect of missense changes on protein structure and function are either unavailable or do not agree on the potential impact of this missense change (SIFT: "Deleterious"; PolyPhen-2: "Possibly Damaging"; Align-GVGD: "Class C0"). This variant has not been reported in the literature in individuals with MSH3-related conditions. This variant is not present in population databases (ExAC no frequency). This sequence change replaces asparagine with lysine at codon 758 of the MSH3 protein (p.Asn758Lys). The asparagine residue is highly conserved and there is a moderate physicochemical difference between asparagine and lysine.